The following is an entry in ClinVar:

NM_000081.4(LYST):c.7258G>A (p.Gly2420Arg)

Gene: LYST (lysosomal trafficking regulator; minus strand). Cytogenetic location: 1q42.3.
Variant type: single nucleotide variant.
Coding change: c.7258G>A on transcript NM_000081.4 (MANE Select); coding-DNA position 7258, G replaced by A.
Protein change: p.Gly2420Arg; replaces glycine 2420 with arginine.
Molecular consequence: missense variant.
Genome position (GRCh38, 1-based): chr1:235,753,246, C>T on the plus strand (G>A on the coding strand, the complement: LYST is on the minus strand). VCF-style: chr1-235753246-C-T. GRCh37 (hg19) VCF-style: chr1-235916546-C-T.
Other names: c.7258G>A, p.Gly2420Arg (NM_001301365.1); short protein forms G2420R.
Identifiers: ClinVar variation 525152 (VCV000525152.9), dbSNP rs370070995, ClinGen allele CA1466169.

ClinVar aggregate classification (germline): Uncertain significance. Review status: criteria provided, multiple submitters, no conflicts (2 of 4 stars). 3 submissions from 3 submitters: Uncertain significance (3). Last evaluated 2026-10-01.

Conditions:
Chédiak-Higashi syndrome (CHS). Also called: Chediak-Higashi Syndrome. Identifiers: Orphanet 167, MedGen C0007965, MONDO:0008963, OMIM 214500.

Allele frequency attached by ClinVar (database versions not stated): ExAC 0.00006; ESP Exome Variant Server 0.00008; gnomAD 0.00021; TOPMed 0.00021.
gnomAD v4.1: 137 of 1,602,814 alleles (0.0085%); highest among the groups gnomAD compares: Admixed American, 0.063%; no homozygotes.

Submissions (3):

St. Jude Molecular Pathology, St. Jude Children's Research Hospital
Classification: Uncertain significance for Chédiak-Higashi syndrome. Last evaluated: 2026-10-01. Review status: criteria provided, single submitter. Criteria: St. Jude Assertion Criteria 2020. Collection method: clinical testing. Allele origin: germline.
Comment: The LYST c.7258G>A p.(Gly242 0Arg) missense change has a maximum subpopulation frequency of 0.04% in gnomAD v2.1.1. The in silico tool REVEL predicts a benign effect on protein function, but to our knowledge this prediction has not been confirmed by functional studies. To our knowledge, this variant has not been reported in individuals with ChÃƒ ©diak-Higashi syndrome. In summary, the evidence currently available is insufficient to determine the clinical significance of this variant. It has therefore been classified as of uncertain significance.

Labcorp Genetics (formerly Invitae), Labcorp
Classification: Uncertain significance for Chédiak-Higashi syndrome. Last evaluated: 2025-08-26. Review status: criteria provided, single submitter. Criteria: Invitae Variant Classification Sherloc (09022015). Collection method: clinical testing. Allele origin: germline.
Comment: This sequence change replaces glycine, which is neutral and non-polar, with arginine, which is basic and polar, at codon 2420 of the LYST protein (p.Gly2420Arg). This variant is present in population databases (rs370070995, gnomAD 0.04%). This variant has not been reported in the literature in individuals affected with LYST-related conditions. ClinVar contains an entry for this variant (Variation ID: 525152). Invitae Evidence Modeling of protein sequence and biophysical properties (such as structural, functional, and spatial information, amino acid conservation, physicochemical variation, residue mobility, and thermodynamic stability) indicates that this missense variant is not expected to disrupt LYST protein function with a negative predictive value of 80%. In summary, the available evidence is currently insufficient to determine the role of this variant in disease. Therefore, it has been classified as a Variant of Uncertain Significance.

Blueprint Genetics
Classification: Uncertain significance. Last evaluated: 2022-09-09. Review status: criteria provided, single submitter. Criteria: ACMG Guidelines, 2015. Collection method: clinical testing. Allele origin: germline.